The following is an entry in ClinVar:

NM_181078.3(IL21R):c.942G>A (p.Leu314=)

Genes: IL21R (interleukin 21 receptor; plus strand), IL21R-AS1 (IL21R antisense RNA 1; minus strand). Cytogenetic location: 16p12.1.
Variant type: single nucleotide variant.
Coding change: c.942G>A on transcript NM_181078.3 (MANE Select); coding-DNA position 942, G replaced by A.
Protein change: p.Leu314=; no amino-acid change (leucine 314 retained).
Molecular consequence: synonymous variant. On other transcripts: non-coding transcript variant (1).
Genome position (GRCh38, 1-based): chr16:27,448,608, G>A. VCF-style: chr16-27448608-G-A. GRCh37 (hg19) VCF-style: chr16-27459929-G-A.
Other names: c.942G>A, p.Leu314= (NM_021798.4); c.1008G>A, p.Leu336= (NM_181079.5); c.942G>A (NM_021798.3).
Identifiers: ClinVar variation 1497077 (VCV001497077.8), dbSNP rs758862352, ClinGen allele CA7975116.

ClinVar aggregate classification (germline): Likely benign. Review status: criteria provided, single submitter (1 of 4 stars). 2 submissions from 2 submitters: Likely benign (1). 1 of the submissions does not count toward it. Last evaluated 2022-08-15.

Conditions:
Cryptosporidiosis-chronic cholangitis-liver disease syndrome. Also called: IL21R immunodeficiency; Immunodeficiency type 56. Identifiers: Orphanet 357329, MedGen C3554687, MONDO:0014082, OMIM 615207.
IL21R-related disorder. Also called: IL21R-related condition.

Allele frequency attached by ClinVar (database versions not stated): gnomAD exomes 0.00001; ExAC 0.00002.

Submissions (2):

Labcorp Genetics (formerly Invitae), Labcorp
Classification: Likely benign for Cryptosporidiosis-chronic cholangitis-liver disease syndrome. Last evaluated: 2022-08-15. Review status: criteria provided, single submitter. Criteria: Invitae Variant Classification Sherloc (09022015). Collection method: clinical testing. Allele origin: germline.

PreventionGenetics, part of Exact Sciences
Classification: Likely benign for IL21R-related condition. Last evaluated: 2021-01-21. Review status: no assertion criteria provided. Collection method: clinical testing. Allele origin: germline. Not counted in ClinVar's aggregate classification.
Comment: This variant is classified as likely benign based on ACMG/AMP sequence variant interpretation guidelines (Richards et al. 2015 PMID: 25741868, with internal and published modifications).